The following is an entry in ClinVar:

ClinVar aggregate classification (germline): Uncertain significance. Review status: criteria provided, multiple submitters, no conflicts (2 of 4 stars). 2 submissions from 2 submitters: Uncertain significance (2). Last evaluated 2025-06-11.

Conditions:
Multiple endocrine neoplasia, type 1 (MEN1). Also called: Endocrine adenomatosis multiple; MEN 1; WERMER SYNDROME; MEA I; MEN I. Identifiers: Orphanet 652, MedGen C0025267, MeSH D018761, MONDO:0007540, OMIM 131100.
Hereditary cancer-predisposing syndrome. Also called: Hereditary neoplastic syndrome; Neoplastic Syndromes, Hereditary; Tumor predisposition; Hereditary Cancer Syndrome. Identifiers: Orphanet 140162, MedGen C0027672, MeSH D009386, MONDO:0015356.

Allele frequency attached by ClinVar (database versions not stated): TOPMed below 0.00001.

Submissions (2):

Labcorp Genetics (formerly Invitae), Labcorp
Classification: Uncertain significance for Multiple endocrine neoplasia, type 1. Last evaluated: 2025-06-11. Review status: criteria provided, single submitter. Criteria: Invitae Variant Classification Sherloc (09022015). Collection method: clinical testing. Allele origin: germline.
Comment: This sequence change replaces glycine, which is neutral and non-polar, with arginine, which is basic and polar, at codon 28 of the MEN1 protein (p.Gly28Arg). This variant is not present in population databases (gnomAD no frequency). This variant has not been reported in the literature in individuals affected with MEN1-related conditions. ClinVar contains an entry for this variant (Variation ID: 1026654). Invitae Evidence Modeling of protein sequence and biophysical properties (such as structural, functional, and spatial information, amino acid conservation, physicochemical variation, residue mobility, and thermodynamic stability) indicates that this missense variant is not expected to disrupt MEN1 protein function with a negative predictive value of 95%. In summary, the available evidence is currently insufficient to determine the role of this variant in disease. Therefore, it has been classified as a Variant of Uncertain Significance.

Ambry Genetics
Classification: Uncertain significance for Hereditary cancer-predisposing syndrome. Last evaluated: 2024-06-24. Review status: criteria provided, single submitter. Criteria: Ambry Variant Classification Scheme 2023. Collection method: clinical testing. Allele origin: germline.
Comment: The p.G28R variant (also known as c.82G>C), located in coding exon 1 of the MEN1 gene, results from a G to C substitution at nucleotide position 82. The glycine at codon 28 is replaced by arginine, an amino acid with dissimilar properties. This amino acid position is well conserved in available vertebrate species. In addition, the in silico prediction for this alteration is inconclusive. Based on the available evidence, the clinical significance of this variant remains unclear.

NM_001370259.2(MEN1):c.82G>C (p.Gly28Arg)

Gene: MEN1 (menin 1; minus strand). Cytogenetic location: 11q13.1.
Variant type: single nucleotide variant.
Coding change: c.82G>C on transcript NM_001370259.2 (MANE Select); coding-DNA position 82, G replaced by C.
Protein change: p.Gly28Arg; replaces glycine 28 with arginine.
Molecular consequence: missense variant.
Genome position (GRCh38, 1-based): chr11:64,810,028, C>G on the plus strand (G>C on the coding strand, the complement: MEN1 is on the minus strand). VCF-style: chr11-64810028-C-G. GRCh37 (hg19) VCF-style: chr11-64577500-C-G.
Other names: c.82G>C, p.Gly28Arg (NM_000244.4, NM_001370251.2, NM_001370260.2 and 9 more transcripts); short protein forms G28R.
Identifiers: ClinVar variation 1026654 (VCV001026654.12), dbSNP rs953827589, ClinGen allele CA223917207.
Genomic context (GRCh38, chr11:64,810,028, plus strand): 5'-GAAAATGCTCCACGAAGCCCAGCACCAAGGAAAGGAGCACCAGGTCCGGCTCCTCTCGGC[C>G]CAGCTCGGCAGCAAACAGGCGCACCACGTCGTCGATGGAGCGCAGCGGGAACAGCGTCTT-3'
Protein context (NP_001357188.2, residues 18-38): DVVRLFAAEL[Gly28Arg]REEPDLVLLS